The following is an entry in ClinVar:

NM_001267550.2(TTN):c.99581C>T (p.Pro33194Leu)

Genes: TTN (titin; minus strand), TTN-AS1 (TTN antisense RNA 1; plus strand). Cytogenetic location: 2q31.2.
Variant type: single nucleotide variant.
Coding change: c.99581C>T on transcript NM_001267550.2 (MANE Select); coding-DNA position 99581, C replaced by T.
Protein change: p.Pro33194Leu; replaces proline 33194 with leucine.
Molecular consequence: missense variant. On other transcripts: non-coding transcript variant (1).
Genome position (GRCh38, 1-based): chr2:178,537,626, G>A on the plus strand (C>T on the coding strand, the complement: TTN is on the minus strand). VCF-style: chr2-178537626-G-A. GRCh37 (hg19) VCF-style: chr2-179402353-G-A.
Other names: c.94658C>T, p.Pro31553Leu (NM_001256850.1); c.72386C>T, p.Pro24129Leu (NM_003319.4); c.91877C>T, p.Pro30626Leu (NM_133378.4); c.72761C>T, p.Pro24254Leu (NM_133432.3); c.72962C>T, p.Pro24321Leu (NM_133437.4); short protein forms P30626L, P33194L, P24321L, P31553L, P24129L, P24254L.
Identifiers: ClinVar variation 212484 (VCV000212484.15), dbSNP rs140025425, ClinGen allele CA209318.
Genomic context (GRCh38, chr2:178,537,626, plus strand): 5'-AGTGTGGAACCCACAGCTCCATAATATTTCTCTTTCAGTGGGTAACCAGGATGGAACTGC[G>A]GTGTTGCTTGCAGGAGAAGCTTACTACTGGTTTCTACTTCTCCAACCTCATTGGTGGCTA-3'
Protein context (NP_001254479.2, residues 33184-33204): TSSKLLLQAT[Pro33194Leu]QFHPGYPLKE

ClinVar aggregate classification (germline): Conflicting classifications of pathogenicity. Review status: criteria provided, conflicting classifications (1 of 4 stars). 5 submissions from 5 submitters: Uncertain significance (4); Likely benign (1). Last evaluated 2025-06-12.

Conditions:
Dilated cardiomyopathy 1G (CMD1G). Identifiers: Orphanet 154, MedGen C1858763, MONDO:0011400, OMIM 604145.
Autosomal recessive limb-girdle muscular dystrophy type 2J (LGMDR10). Also called: Limb-girdle muscular dystrophy, type 2J; MUSCULAR DYSTROPHY, LIMB-GIRDLE, AUTOSOMAL RECESSIVE 10. Identifiers: Orphanet 140922, MedGen C1837342, MONDO:0012127, OMIM 608807.
Cardiomyopathy (CMYO). Also called: Cardiomyopathies. Identifiers: Orphanet 167848, MedGen C0878544, MONDO:0004994, HP:0001638. Inheritance: Various modes of inheritance.

Allele frequency attached by ClinVar (database versions not stated): gnomAD 0.00002; gnomAD exomes 0.00002 and 0.00006; ExAC 0.00003; TOPMed 0.00004; ESP Exome Variant Server 0.00008; 1000 Genomes Project 0.00020; 1000 Genomes Project 30x 0.00031.
gnomAD v4.1: 42 of 1,613,694 alleles (0.0026%); highest among the groups gnomAD compares: Admixed American, 0.022%; no homozygotes.

Submissions (5):

Revvity Omics, Revvity
Classification: Uncertain significance. Last evaluated: 2025-06-12. Review status: criteria provided, single submitter. Criteria: ACMG Guidelines, 2015. Collection method: clinical testing. Allele origin: germline.

CHEO Genetics Diagnostic Laboratory, Children's Hospital of Eastern Ontario
Classification: Uncertain significance for Cardiomyopathy. Last evaluated: 2019-06-24. Review status: criteria provided, single submitter. Criteria: ACMG Guidelines, 2015. Collection method: clinical testing. Allele origin: germline.

Labcorp Genetics (formerly Invitae), Labcorp
Classification: Uncertain significance for Dilated cardiomyopathy 1G; Autosomal recessive limb-girdle muscular dystrophy type 2J. Last evaluated: 2017-09-27. Review status: criteria provided, single submitter. Criteria: Invitae Variant Classification Sherloc (09022015). Collection method: clinical testing. Allele origin: germline.

Eurofins Ntd Llc (ga)
Classification: Uncertain significance. Last evaluated: 2017-07-12. Review status: criteria provided, single submitter. Criteria: EGL Classification Definitions 2015. Collection method: clinical testing. Allele origin: germline. Observed: 2 variant alleles, 2 heterozygotes.

Genetic Services Laboratory, University of Chicago
Classification: Likely benign. Last evaluated: 2015-03-09. Review status: criteria provided, single submitter. Criteria: ACMG Guidelines, 2015. Collection method: clinical testing. Allele origin: germline.